The following is an entry in ClinVar:

ClinVar aggregate classification (germline): Uncertain significance (1 of 4 stars; one submission).

Conditions:
Progressive sclerosing poliodystrophy (MTDPS4A). Also called: ALPERS PROGRESSIVE INFANTILE POLIODYSTROPHY; NEURONAL DEGENERATION OF CHILDHOOD WITH LIVER DISEASE, PROGRESSIVE; Alpers Syndrome; ALPERS DIFFUSE DEGENERATION OF CEREBRAL GRAY MATTER WITH HEPATIC CIRRHOSIS; Alpers-Huttenlocher Syndrome; Mitochondrial DNA depletion syndrome 4A (Alpers type). Identifiers: Orphanet 726, MedGen C0205710, MONDO:0008758, OMIM 203700.

Allele frequency attached by ClinVar (database versions not stated): gnomAD exomes below 0.00001.
gnomAD v4.1: 2 of 1,611,284 alleles (0.00012%); highest among the groups gnomAD compares: Admixed American, 0.0033%; no homozygotes.

Submission:

Labcorp Genetics (formerly Invitae), Labcorp
Classification: Uncertain significance for Progressive sclerosing poliodystrophy. Last evaluated: 2024-11-18. Review status: criteria provided, single submitter. Criteria: Invitae Variant Classification Sherloc (09022015). Collection method: clinical testing. Allele origin: germline.
Comment: This sequence change replaces proline, which is neutral and non-polar, with leucine, which is neutral and non-polar, at codon 1239 of the POLG protein (p.Pro1239Leu). This variant is present in population databases (no rsID available, gnomAD 0.006%). This variant has not been reported in the literature in individuals affected with POLG-related conditions. ClinVar contains an entry for this variant (Variation ID: 2723622). Invitae Evidence Modeling of protein sequence and biophysical properties (such as structural, functional, and spatial information, amino acid conservation, physicochemical variation, residue mobility, and thermodynamic stability) indicates that this missense variant is not expected to disrupt POLG protein function with a negative predictive value of 95%. In summary, the available evidence is currently insufficient to determine the role of this variant in disease. Therefore, it has been classified as a Variant of Uncertain Significance.

NM_002693.3(POLG):c.3716C>T (p.Pro1239Leu)

Genes: FANCI (FA complementation group I; plus strand), POLG (DNA polymerase gamma, catalytic subunit; minus strand). Cytogenetic location: 15q26.1.
Variant type: single nucleotide variant.
Coding change: c.3716C>T on transcript NM_002693.3 (MANE Select); coding-DNA position 3716, C replaced by T.
Protein change: p.Pro1239Leu; replaces proline 1239 with leucine.
Molecular consequence: missense variant. On other transcripts: 3 prime UTR variant (4).
Genome position (GRCh38, 1-based): chr15:89,316,755, G>A on the plus strand (C>T on the coding strand, the complement: POLG is on the minus strand). VCF-style: chr15-89316755-G-A. GRCh37 (hg19) VCF-style: chr15-89859986-G-A.
Other names: c.3716C>T, p.Pro1239Leu (NM_001126131.2); c.*296G>A (NM_001113378.2, NM_001376910.1, NM_001376911.1 and 1 more transcripts); short protein forms P1239L.
Identifiers: ClinVar variation 2723622 (VCV002723622.3), dbSNP rs1322882473, ClinGen allele CA393746783.
Genomic context (GRCh38, chr15:89,316,755, plus strand): 5'-GCCTGCACCACCCCGATGAAGCTCCACGGGAGCAAATACAGAGCCTCCAGGCAGTGCTAT[G>A]GTCCAGGCTGGCTTCGTTTTTCCAAGGAGCCTTTGGTGAGTTCAATTATCTGGTAAATAT-3'
Protein context (NP_002684.1, residues 1229-1239): GSLEKRSQPG[Pro1239Leu]